The following is an entry in ClinVar:

ClinVar aggregate classification (germline): Uncertain significance. Review status: criteria provided, multiple submitters, no conflicts (2 of 4 stars). 2 submissions from 2 submitters: Uncertain significance (2). Last evaluated 2025-07-14.

Conditions:
Inborn genetic diseases. Identifiers: MedGen C0950123, MeSH D030342.

gnomAD v4.1: 6 of 1,613,734 alleles (0.00037%); highest among the groups gnomAD compares: Admixed American, 0.0017%; no homozygotes.

Submissions (2):

Labcorp Genetics (formerly Invitae), Labcorp
Classification: Uncertain significance. Last evaluated: 2025-07-14. Review status: criteria provided, single submitter. Criteria: Invitae Variant Classification Sherloc (09022015). Collection method: clinical testing. Allele origin: germline.
Comment: This sequence change replaces aspartic acid, which is acidic and polar, with valine, which is neutral and non-polar, at codon 1088 of the NRIP1 protein (p.Asp1088Val). This variant is present in population databases (no rsID available, gnomAD 0.003%). This variant has not been reported in the literature in individuals affected with NRIP1-related conditions. An algorithm developed to predict the effect of missense changes on protein structure and function (PolyPhen-2) suggests that this variant is likely to be disruptive. In summary, the available evidence is currently insufficient to determine the role of this variant in disease. Therefore, it has been classified as a Variant of Uncertain Significance.

Ambry Genetics
Classification: Uncertain significance for Inborn genetic diseases. Last evaluated: 2025-06-07. Review status: criteria provided, single submitter. Criteria: Ambry Variant Classification Scheme 2023. Collection method: clinical testing. Allele origin: germline.

NM_003489.4(NRIP1):c.3263A>T (p.Asp1088Val)

Gene: NRIP1 (nuclear receptor interacting protein 1; minus strand). Cytogenetic location: 21q11.2.
Variant type: single nucleotide variant.
Coding change: c.3263A>T on transcript NM_003489.4 (MANE Select); coding-DNA position 3263, A replaced by T.
Protein change: p.Asp1088Val; replaces aspartic acid 1088 with valine.
Molecular consequence: missense variant.
Genome position (GRCh38, 1-based): chr21:14,964,930, T>A on the plus strand (A>T on the coding strand, the complement: NRIP1 is on the minus strand). VCF-style: chr21-14964930-T-A. GRCh37 (hg19) VCF-style: chr21-16337251-T-A.
Other names: short protein forms D1088V.
Identifiers: ClinVar variation 3921848 (VCV003921848.2).
Genomic context (GRCh38, chr21:14,964,930, plus strand): 5'-AACTCTTCTTTGGCTGTGACCTGTGAGACACTTTCAGCAGATGAAGCCTCCCTCCAAATG[T>A]CCTTGTCTTGTGTTTCTCGACTGGTAACAGAATTGCCTCCTTTTTGAAGCATGTAATATA-3'
Protein context (NP_003480.2, residues 1078-1098): SVTSRETQDK[Asp1088Val]IWREASSAES